The following is an entry in ClinVar:

ClinVar aggregate classification (germline): Benign. Review status: criteria provided, multiple submitters, no conflicts (2 of 4 stars). 2 submissions from 2 submitters: Benign (2). Last evaluated 2018-06-14.

Allele frequency attached by ClinVar (database versions not stated): 1000 Genomes Project 0.17432; 1000 Genomes Project 30x 0.18364; gnomAD 0.18387 and 0.18554; gnomAD exomes 0.18874; TOPMed 0.20004.
gnomAD v4.1: 180,883 of 963,196 alleles (19%); highest among the groups gnomAD compares: Admixed American, 33%; 18,037 homozygotes.

Submissions (2):

GeneDx
Classification: Benign. Last evaluated: 2018-06-14. Review status: criteria provided, single submitter. Criteria: GeneDx Variant Classification (06012015). Collection method: clinical testing. Allele origin: germline. Affected: yes.
Comment: This variant is considered likely benign or benign based on one or more of the following criteria: it is a conservative change, it occurs at a poorly conserved position in the protein, it is predicted to be benign by multiple in silico algorithms, and/or has population frequency not consistent with disease.

Breakthrough Genomics
Classification: Benign. Review status: criteria provided, single submitter. Criteria: ACMG Guidelines, 2015. Collection method: not provided. Allele origin: germline. Inheritance: Autosomal recessive inheritance. Affected: yes.

NM_000089.4(COL1A2):c.3105+91T>C

Gene: COL1A2 (collagen type I alpha 2 chain; plus strand). Cytogenetic location: 7q21.3.
Variant type: single nucleotide variant.
Coding change: c.3105+91T>C on transcript NM_000089.4 (MANE Select); 91 bases into the intron after coding-DNA position 3105, T replaced by C.
Molecular consequence: intron variant.
Genome position (GRCh38, 1-based): chr7:94,426,621, T>C. VCF-style: chr7-94426621-T-C. GRCh37 (hg19) VCF-style: chr7-94055933-T-C.
Identifiers: ClinVar variation 674832 (VCV000674832.2), dbSNP rs13240759, ClinGen allele CA12543652.